The following is an entry in ClinVar:

NM_018297.4(NGLY1):c.1491C>A (p.Tyr497Ter)

Gene: NGLY1 (N-glycanase 1; minus strand). Cytogenetic location: 3p24.2.
Variant type: single nucleotide variant.
Coding change: c.1491C>A on transcript NM_018297.4 (MANE Select); coding-DNA position 1491, C replaced by A.
Protein change: p.Tyr497Ter; replaces tyrosine 497 with a stop codon.
Molecular consequence: nonsense.
Genome position (GRCh38, 1-based): chr3:25,729,253, G>T on the plus strand (C>A on the coding strand, the complement: NGLY1 is on the minus strand). VCF-style: chr3-25729253-G-T. GRCh37 (hg19) VCF-style: chr3-25770744-G-T.
Other names: c.1437C>A, p.Tyr479Ter (NM_001145293.2); c.1365C>A, p.Tyr455Ter (NM_001145294.2); c.1491C>A, p.Tyr497Ter (NM_001145295.2); short protein forms Y455*, Y479*, Y497*.
Identifiers: ClinVar variation 2728472 (VCV002728472.3), dbSNP rs2470509797, ClinGen allele CA351896874.

ClinVar aggregate classification (germline): Pathogenic (1 of 4 stars; one submission).

Conditions:
Congenital disorder of deglycosylation (CDDG). Identifiers: MedGen C3808991, MONDO:0031376.

Submission:

Labcorp Genetics (formerly Invitae), Labcorp
Classification: Pathogenic for Congenital disorder of deglycosylation. Last evaluated: 2023-06-25. Review status: criteria provided, single submitter. Criteria: Invitae Variant Classification Sherloc (09022015). Collection method: clinical testing. Allele origin: germline.
Comment: This variant has not been reported in the literature in individuals affected with NGLY1-related conditions. This variant is not present in population databases (gnomAD no frequency). This sequence change creates a premature translational stop signal (p.Tyr497*) in the NGLY1 gene. It is expected to result in an absent or disrupted protein product. Loss-of-function variants in NGLY1 are known to be pathogenic (PMID: 24651605). Algorithms developed to predict the effect of sequence changes on RNA splicing suggest that this variant may disrupt the consensus splice site. For these reasons, this variant has been classified as Pathogenic.

Literature cited by the submitters: PubMed 24651605.